The following is an entry in ClinVar:

ClinVar aggregate classification (germline): Uncertain significance (1 of 4 stars; one submission).

Submission:

Ambry Genetics
Classification: Uncertain significance. Last evaluated: 2026-03-12. Review status: criteria provided, single submitter. Criteria: Ambry Variant Classification Scheme 2023. Collection method: clinical testing. Allele origin: germline.
Comment: The p.Y197N variant (also known as c.589T>A), located in coding exon 5 of the RNF43 gene, results from a T to A substitution at nucleotide position 589. The tyrosine at codon 197 is replaced by asparagine, an amino acid with dissimilar properties. This amino acid position is conserved. In addition, this alteration is predicted to be tolerated by in silico analysis. Based on the available evidence, the clinical significance of this variant remains unclear.

NM_017763.6(RNF43):c.589T>A (p.Tyr197Asn)

Gene: RNF43 (ring finger protein 43; minus strand). Cytogenetic location: 17q22.
Variant type: single nucleotide variant.
Coding change: c.589T>A on transcript NM_017763.6 (MANE Select); coding-DNA position 589, T replaced by A.
Protein change: p.Tyr197Asn; replaces tyrosine 197 with asparagine.
Molecular consequence: missense variant.
Genome position (GRCh38, 1-based): chr17:58,362,642, A>T on the plus strand (T>A on the coding strand, the complement: RNF43 is on the minus strand). VCF-style: chr17-58362642-A-T. GRCh37 (hg19) VCF-style: chr17-56440003-A-T.
Other names: c.589T>A, p.Tyr197Asn (NM_001305544.3, NM_001438820.1, NM_001438821.1 and 1 more transcripts); c.208T>A, p.Tyr70Asn (NM_001305545.2, NM_001437987.1); short protein forms Y70N, Y197N.
Identifiers: ClinVar variation 4826157 (VCV004826157.1).
Genomic context (GRCh38, chr17:58,362,642, plus strand): 5'-CCGAAGCCAGGATGATCACAAAGATGGTGCCCACCACTGTCATTAGGATCCACACATCAT[A>T]ATCTGGCTGGGGAGTGAGCAGAGAGGGAAAGGGTCATACTTCCGGGATGAGCTGGGTCAA-3'
Protein context (NP_060233.3, residues 187-207): ELKEPPAWPD[Tyr197Asn]DVWILMTVVG